The following is an entry in ClinVar:

NM_000530.8(MPZ):c.660T>A (p.Tyr220Ter)

Gene: MPZ (myelin protein zero; minus strand). Cytogenetic location: 1q23.3.
Variant type: single nucleotide variant.
Coding change: c.660T>A on transcript NM_000530.8 (MANE Select); coding-DNA position 660, T replaced by A.
Protein change: p.Tyr220Ter; replaces tyrosine 220 with a stop codon.
Molecular consequence: nonsense.
Genome position (GRCh38, 1-based): chr1:161,305,963, A>T on the plus strand (T>A on the coding strand, the complement: MPZ is on the minus strand). VCF-style: chr1-161305963-A-T. GRCh37 (hg19) VCF-style: chr1-161275753-A-T.
Other names: c.660T>A, p.Tyr220Ter (NM_001315491.2); short protein forms Y220*.
Identifiers: ClinVar variation 4687956 (VCV004687956.1), dbSNP rs754516430.

ClinVar aggregate classification (germline): Likely pathogenic (1 of 4 stars; one submission).

Conditions:
Charcot-Marie-Tooth disease type 2I (CMT2I). Also called: CHARCOT-MARIE-TOOTH DISEASE, AXONAL, TYPE 2I. Identifiers: Orphanet 99942, MedGen C3888087, MONDO:0011889, OMIM 607677.
Charcot-Marie-Tooth disease type 2J (CMT2J). Also called: CHARCOT-MARIE-TOOTH DISEASE, TYPE 2, WITH HEARING LOSS AND PUPILLARY ABNORMALITIES; CHARCOT-MARIE-TOOTH NEUROPATHY, TYPE 2J; CHARCOT-MARIE-TOOTH DISEASE, AXONAL, TYPE 2J. Identifiers: Orphanet 99943, MedGen C1843153, MONDO:0011903, OMIM 607736.
Charcot-Marie-Tooth disease dominant intermediate D. Also called: CHARCOT-MARIE-TOOTH NEUROPATHY, DOMINANT INTERMEDIATE D; Charcot-Marie-Tooth disease dominant intermediate 3; CMT DI3. Identifiers: Orphanet 100046, MedGen C1843075, MONDO:0011909, OMIM 607791.
Charcot-Marie-Tooth disease type 1B. Also called: CHARCOT-MARIE-TOOTH DISEASE, AUTOSOMAL DOMINANT, WITH FOCALLY FOLDED MYELIN SHEATHS, TYPE 1B; CHARCOT-MARIE-TOOTH DISEASE, SLOW NERVE CONDUCTION TYPE, LINKED TO DUFFY; CHARCOT-MARIE-TOOTH NEUROPATHY, TYPE 1B; HEREDITARY MOTOR AND SENSORY NEUROPATHY I; HEREDITARY MOTOR AND SENSORY NEUROPATHY IB; Charcot-Marie-Tooth disease, demyelinating, type 1b. Identifiers: Orphanet 101082, MedGen C0270912, MONDO:0007307, OMIM 118200.

gnomAD v4.1: 1 of 1,613,804 alleles (0.000062%); highest among the groups gnomAD compares: Non-Finnish European, 0.000085%; no homozygotes.

Submission:

Human Genetics Bochum, Ruhr University Bochum
Classification: Likely pathogenic for Charcot-Marie-Tooth disease dominant intermediate D; Charcot-Marie-Tooth disease type 1B; Charcot-Marie-Tooth disease type 2I; Charcot-Marie-Tooth disease type 2J. Last evaluated: 2025-09-09. Review status: criteria provided, single submitter. Criteria: ACMG Guidelines, 2015. Collection method: clinical testing. Allele origin: germline. Affected: yes.
Comment: ACMG criteria used to clasify this variant: PVS1_STR, PM1_SUP, PM2_SUP